The following is an entry in ClinVar:

ClinVar aggregate classification (germline): Uncertain significance (1 of 4 stars; one submission).

Conditions:
Baller-Gerold syndrome (BGS). Also called: CRANIOSYNOSTOSIS WITH RADIAL DEFECTS. Identifiers: Orphanet 1225, MedGen C0265308, MONDO:0009039, OMIM 218600.

Allele frequency attached by ClinVar (database versions not stated): gnomAD exomes below 0.00001; gnomAD 0.00001.
gnomAD v4.1: 3 of 1,612,714 alleles (0.00019%); highest among the groups gnomAD compares: African/African-American, 0.0013%; no homozygotes.

Submission:

Labcorp Genetics (formerly Invitae), Labcorp
Classification: Uncertain significance for Baller-Gerold syndrome. Last evaluated: 2023-09-26. Review status: criteria provided, single submitter. Criteria: Invitae Variant Classification Sherloc (09022015). Collection method: clinical testing. Allele origin: germline.
Comment: This sequence change replaces proline, which is neutral and non-polar, with serine, which is neutral and polar, at codon 435 of the RECQL4 protein (p.Pro435Ser). Advanced modeling of protein sequence and biophysical properties (such as structural, functional, and spatial information, amino acid conservation, physicochemical variation, residue mobility, and thermodynamic stability) performed at Invitae indicates that this missense variant is not expected to disrupt RECQL4 protein function. ClinVar contains an entry for this variant (Variation ID: 957343). This variant has not been reported in the literature in individuals affected with RECQL4-related conditions. In summary, the available evidence is currently insufficient to determine the role of this variant in disease. Therefore, it has been classified as a Variant of Uncertain Significance. This variant is present in population databases (rs769553486, gnomAD 0.0009%).

NM_004260.4(RECQL4):c.1303C>T (p.Pro435Ser)

Gene: RECQL4 (RecQ like helicase 4; minus strand). Cytogenetic location: 8q24.3.
Variant type: single nucleotide variant.
Coding change: c.1303C>T on transcript NM_004260.4 (MANE Select); coding-DNA position 1303, C replaced by T.
Protein change: p.Pro435Ser; replaces proline 435 with serine.
Molecular consequence: missense variant.
Genome position (GRCh38, 1-based): chr8:144,515,413, G>A on the plus strand (C>T on the coding strand, the complement: RECQL4 is on the minus strand). VCF-style: chr8-144515413-G-A. GRCh37 (hg19) VCF-style: chr8-145740797-G-A.
Other names: short protein forms P435S.
Identifiers: ClinVar variation 957343 (VCV000957343.4), dbSNP rs769553486, ClinGen allele CA4948918.